The following is an entry in ClinVar:

ClinVar aggregate classification (germline): Uncertain significance. Review status: criteria provided, multiple submitters, no conflicts (2 of 4 stars). 2 submissions from 2 submitters: Uncertain significance (2). Last evaluated 2025-11-03.

Conditions:
Inborn genetic diseases. Identifiers: MedGen C0950123, MeSH D030342.

Submissions (2):

Labcorp Genetics (formerly Invitae), Labcorp
Classification: Uncertain significance. Last evaluated: 2025-11-03. Review status: criteria provided, single submitter. Criteria: Invitae Variant Classification Sherloc (09022015). Collection method: clinical testing. Allele origin: germline.
Comment: This sequence change replaces arginine, which is basic and polar, with proline, which is neutral and non-polar, at codon 512 of the MBD4 protein (p.Arg512Pro). This variant is not present in population databases (gnomAD no frequency). This variant has not been reported in the literature in individuals affected with MBD4-related conditions. ClinVar contains an entry for this variant (Variation ID: 4104682). An algorithm developed to predict the effect of missense changes on protein structure and function (PolyPhen-2) suggests that this variant is likely to be disruptive. In summary, the available evidence is currently insufficient to determine the role of this variant in disease. Therefore, it has been classified as a Variant of Uncertain Significance.

Ambry Genetics
Classification: Uncertain significance for Inborn genetic diseases. Last evaluated: 2025-09-07. Review status: criteria provided, single submitter. Criteria: Ambry Variant Classification Scheme 2023. Collection method: clinical testing. Allele origin: germline.
Comment: The p.R506P variant (also known as c.1517G>C), located in coding exon 6 of the MBD4 gene, results from a G to C substitution at nucleotide position 1517. The arginine at codon 506 is replaced by proline, an amino acid with dissimilar properties. This amino acid position is conserved. In addition, this alteration is predicted to be deleterious by in silico analysis. Based on the available evidence, the clinical significance of this variant remains unclear.

NM_001276270.2(MBD4):c.1517G>C (p.Arg506Pro)

Gene: MBD4 (methyl-CpG binding domain 4, DNA glycosylase; minus strand). Cytogenetic location: 3q21.3.
Variant type: single nucleotide variant.
Coding change: c.1517G>C on transcript NM_001276270.2 (MANE Select); coding-DNA position 1517, G replaced by C.
Protein change: p.Arg506Pro; replaces arginine 506 with proline.
Molecular consequence: missense variant.
Genome position (GRCh38, 1-based): chr3:129,433,124, C>G on the plus strand (G>C on the coding strand, the complement: MBD4 is on the minus strand). VCF-style: chr3-129433124-C-G. GRCh37 (hg19) VCF-style: chr3-129151967-C-G.
Other names: c.1535G>C, p.Arg512Pro (NM_001276271.2, NM_001276272.2, NM_003925.3); c.581G>C, p.Arg194Pro (NM_001276273.2); short protein forms R512P, R194P, R506P.
Identifiers: ClinVar variation 4104682 (VCV004104682.2).